The following is an entry in ClinVar:

NM_203447.4(DOCK8):c.3886C>A (p.Leu1296Ile)

Gene: DOCK8 (dedicator of cytokinesis 8; plus strand). Cytogenetic location: 9p24.3.
Variant type: single nucleotide variant.
Coding change: c.3886C>A on transcript NM_203447.4 (MANE Select); coding-DNA position 3886, C replaced by A.
Protein change: p.Leu1296Ile; replaces leucine 1296 with isoleucine.
Molecular consequence: missense variant.
Genome position (GRCh38, 1-based): chr9:420,446, C>A. VCF-style: chr9-420446-C-A. GRCh37 (hg19) VCF-style: chr9-420446-C-A.
Other names: c.3586C>A, p.Leu1196Ile (NM_001190458.2); c.3682C>A, p.Leu1228Ile (NM_001193536.2); short protein forms L1296I, L1196I, L1228I.
Identifiers: ClinVar variation 4742587 (VCV004742587.1).
Genomic context (GRCh38, chr9:420,446, plus strand): 5'-TCTGCCTCCCTTCAGCCCTATAAGCAGTACAACATGCTGAACGCGGACACTACTCGCAAC[C>A]TCATGATCTGCTTCCTCTGGATCATGAAAAATGCTGATCAGAGCCTCATTAGGAAGTGGA-3'
Protein context (NP_982272.2, residues 1286-1306): NMLNADTTRN[Leu1296Ile]MICFLWIMKN

ClinVar aggregate classification (germline): Uncertain significance (1 of 4 stars; one submission).

Conditions:
Combined immunodeficiency due to DOCK8 deficiency (HIES2). Also called: HYPER-IgE SYNDROME 2, AUTOSOMAL RECESSIVE, WITH RECURRENT INFECTIONS; DOCK8 Deficiency; HIES autosomal recessive; Hyper-IgE recurrent infection syndrome, autosomal recessive; HYPER-IgE RECURRENT INFECTION SYNDROME 2, AUTOSOMAL RECESSIVE. Identifiers: Orphanet 217390, MedGen C4722305, MONDO:0009478, OMIM 243700.

Submission:

Labcorp Genetics (formerly Invitae), Labcorp
Classification: Uncertain significance for Combined immunodeficiency due to DOCK8 deficiency. Last evaluated: 2025-05-21. Review status: criteria provided, single submitter. Criteria: Invitae Variant Classification Sherloc (09022015). Collection method: clinical testing. Allele origin: germline.
Comment: This sequence change replaces leucine, which is neutral and non-polar, with isoleucine, which is neutral and non-polar, at codon 1296 of the DOCK8 protein (p.Leu1296Ile). This variant is not present in population databases (gnomAD no frequency). This variant has not been reported in the literature in individuals affected with DOCK8-related conditions. Invitae Evidence Modeling of protein sequence and biophysical properties (such as structural, functional, and spatial information, amino acid conservation, physicochemical variation, residue mobility, and thermodynamic stability) indicates that this missense variant is not expected to disrupt DOCK8 protein function with a negative predictive value of 80%. In summary, the available evidence is currently insufficient to determine the role of this variant in disease. Therefore, it has been classified as a Variant of Uncertain Significance.